The following is an entry in ClinVar:

ClinVar aggregate classification (germline): Uncertain significance (1 of 4 stars; one submission).

Conditions:
Megaconial type congenital muscular dystrophy (MDCMC). Also called: CHKB-Related Muscle Diseases; CHKB-Related Muscular Dystrophy; MUSCULAR DYSTROPHY, CONGENITAL, WITH MITOCHONDRIAL STRUCTURAL ABNORMALITIES. Identifiers: Orphanet 280671, MedGen C1865233, MONDO:0011246, OMIM 602541.

Allele frequency attached by ClinVar (database versions not stated): gnomAD 0.00001; TOPMed 0.00001; gnomAD exomes 0.00005.
gnomAD v4.1: 72 of 1,613,668 alleles (0.0045%); highest among the groups gnomAD compares: Non-Finnish European, 0.0059%; no homozygotes.

Submission:

Labcorp Genetics (formerly Invitae), Labcorp
Classification: Uncertain significance for Megaconial type congenital muscular dystrophy. Last evaluated: 2022-02-25. Review status: criteria provided, single submitter. Criteria: Invitae Variant Classification Sherloc (09022015). Collection method: clinical testing. Allele origin: germline.
Comment: This sequence change replaces glutamine, which is neutral and polar, with arginine, which is basic and polar, at codon 146 of the CHKB protein (p.Gln146Arg). This variant is not present in population databases (gnomAD no frequency). This variant has not been reported in the literature in individuals affected with CHKB-related conditions. Algorithms developed to predict the effect of missense changes on protein structure and function are either unavailable or do not agree on the potential impact of this missense change (SIFT: "Deleterious"; PolyPhen-2: "Probably Damaging"; Align-GVGD: "Class C0"). Algorithms developed to predict the effect of sequence changes on RNA splicing suggest that this variant may create or strengthen a splice site. In summary, the available evidence is currently insufficient to determine the role of this variant in disease. Therefore, it has been classified as a Variant of Uncertain Significance.

NM_005198.5(CHKB):c.437A>G (p.Gln146Arg)

Genes: CHKB (choline kinase beta; minus strand), CHKB-CPT1B (CHKB-CPT1B readthrough (NMD candidate); minus strand). Cytogenetic location: 22q13.33.
Variant type: single nucleotide variant.
Coding change: c.437A>G on transcript NM_005198.5 (MANE Select); coding-DNA position 437, A replaced by G.
Protein change: p.Gln146Arg; replaces glutamine 146 with arginine.
Molecular consequence: missense variant. On other transcripts: non-coding transcript variant (1).
Genome position (GRCh38, 1-based): chr22:50,581,759, T>C on the plus strand (A>G on the coding strand, the complement: CHKB is on the minus strand). VCF-style: chr22-50581759-T-C. GRCh37 (hg19) VCF-style: chr22-51020188-T-C.
Other names: short protein forms Q146R.
Identifiers: ClinVar variation 2154262 (VCV002154262.1), dbSNP rs1239232044, ClinGen allele CA412201138.